The following is an entry in ClinVar:

NM_014832.5(TBC1D4):c.84C>G (p.Pro28=)

Gene: TBC1D4 (TBC1 domain family member 4; minus strand). Cytogenetic location: 13q22.2.
Variant type: single nucleotide variant.
Coding change: c.84C>G on transcript NM_014832.5 (MANE Select); coding-DNA position 84, C replaced by G.
Protein change: p.Pro28=; no amino-acid change (proline 28 retained).
Molecular consequence: synonymous variant.
Genome position (GRCh38, 1-based): chr13:75,481,684, G>C on the plus strand (C>G on the coding strand, the complement: TBC1D4 is on the minus strand). VCF-style: chr13-75481684-G-C. GRCh37 (hg19) VCF-style: chr13-76055820-G-C.
Other names: c.84C>G, p.Pro28= (NM_001286658.2, NM_001286659.2).
Identifiers: ClinVar variation 130557 (VCV000130557.10), dbSNP rs7327548, ClinGen allele CA214730.
Genomic context (GRCh38, chr13:75,481,684, plus strand): 5'-GTGGTCCAGGCACGACCCCCCAACGTACCACAGCCGGAACCGCTTATCGCTTGGCTTCCC[G>C]GGGCCGGGCTGAGCTGAGACGCCCGGCTCGGGCTCCAGGGGGTGCGGGAACGGCTCATCC-3'
Protein context (NP_055647.2, residues 18-38): PEPGVSAQPG[Pro28=]GKPSDKRFRL

ClinVar aggregate classification (germline): Benign. Review status: criteria provided, multiple submitters, no conflicts (2 of 4 stars). 3 submissions from 3 submitters: Benign (2). 1 of the submissions does not count toward it. Last evaluated 2021-06-09.

Allele frequency attached by ClinVar (database versions not stated): 1000 Genomes Project 0.35623; gnomAD exomes 0.35760; 1000 Genomes Project 30x 0.36758; ExAC 0.38420; gnomAD 0.42989 and 0.44024; ESP Exome Variant Server 0.43221; TOPMed 0.43487.
gnomAD v4.1: 639,551 of 1,598,576 alleles (40%); highest among the groups gnomAD compares: African/African-American, 56%; 131,835 homozygotes.

Submissions (3):

GeneDx
Classification: Benign. Last evaluated: 2021-06-09. Review status: criteria provided, single submitter. Criteria: GeneDx Variant Classification Process June 2021. Collection method: clinical testing. Allele origin: germline. Affected: yes.

Breakthrough Genomics
Classification: Benign. Review status: criteria provided, single submitter. Criteria: ACMG Guidelines, 2015. Collection method: not provided. Allele origin: germline. Inheritance: Unknown mechanism. Affected: yes.

Genetic Services Laboratory, University of Chicago
Classification: Likely benign for AllHighlyPenetrant. Review status: no assertion criteria provided. Collection method: clinical testing. Allele origin: germline. Inheritance: Autosomal dominant inheritance. Not counted in ClinVar's aggregate classification.
Comment: Likely benign based on allele frequency in 1000 Genomes Project or ESP global frequency and its presence in a patient with a rare or unrelated disease phenotype. NOT Sanger confirmed.